The following is an entry in ClinVar:

NM_007294.4(BRCA1):c.4500A>C (p.Lys1500Asn)

Gene: BRCA1 (BRCA1 DNA repair associated; minus strand). Cytogenetic location: 17q21.31.
Variant type: single nucleotide variant.
Coding change: c.4500A>C on transcript NM_007294.4 (MANE Select); coding-DNA position 4500, A replaced by C.
Protein change: p.Lys1500Asn; replaces lysine 1500 with asparagine.
Molecular consequence: missense variant. On other transcripts: intron variant (3).
Genome position (GRCh38, 1-based): chr17:43,074,506, T>G on the plus strand (A>C on the coding strand, the complement: BRCA1 is on the minus strand). VCF-style: chr17-43074506-T-G. GRCh37 (hg19) VCF-style: chr17-41226523-T-G.
Other names: c.1185A>C, p.Lys395Asn (NM_001408396.1, NM_001408397.1, NM_001408398.1 and 8 more transcripts); c.1182A>C, p.Lys394Asn (NM_001408406.1, NM_001408407.1, NM_001408408.1); c.1110A>C, p.Lys370Asn (NM_001408416.1, NM_001408412.1, NM_001408413.1 and 2 more transcripts); c.1074A>C, p.Lys358Asn (NM_001408418.1, NM_001408419.1, NM_001408420.1); c.1071A>C, p.Lys357Asn (NM_001408421.1, NM_001408422.1, NM_001408423.1 and 1 more transcripts); c.1068A>C, p.Lys356Asn (NM_001408425.1, NM_001408426.1, NM_001408427.1 and 4 more transcripts); c.1065A>C, p.Lys355Asn (NM_001408436.1, NM_001408437.1, NM_001408438.1 and 10 more transcripts); c.1062A>C, p.Lys354Asn (NM_001408445.1, NM_001408446.1, NM_001408447.1 and 2 more transcripts); and 71 more; short protein forms K1203N, K1204N, K1331N, K1371N, K1372N, K1373N, K1387N, K1388N.
Identifiers: ClinVar variation 4867747 (VCV004867747.1).

ClinVar aggregate classification (germline): Uncertain significance (1 of 4 stars; one submission).

Conditions:
Hereditary cancer-predisposing syndrome. Also called: Neoplastic Syndromes, Hereditary; Tumor predisposition; Hereditary Cancer Syndrome; Hereditary neoplastic syndrome. Identifiers: Orphanet 140162, MedGen C0027672, MeSH D009386, MONDO:0015356.

Submission:

Ambry Genetics
Classification: Uncertain significance for Hereditary cancer-predisposing syndrome. Last evaluated: 2026-06-02. Review status: criteria provided, single submitter. Criteria: Ambry Variant Classification Scheme 2023. Collection method: clinical testing. Allele origin: germline.
Comment: The p.K1500N variant (also known as c.4500A>C), located in coding exon 13 of the BRCA1 gene, results from an A to C substitution at nucleotide position 4500. The lysine at codon 1500 is replaced by asparagine, an amino acid with similar properties. This amino acid position is conserved. In addition, the in silico prediction for this alteration is inconclusive. Based on the available evidence, the clinical significance of this variant remains unclear.